The following is an entry in ClinVar:

ClinVar aggregate classification (germline): Uncertain significance (1 of 4 stars; one submission).

Conditions:
Common variable immunodeficiency (CVID). Also called: Common variable hypogamma-globulinemia; Common variable agammaglobulinemia. Identifiers: Orphanet 1572, MedGen C0009447, MONDO:0015517.

Allele frequency attached by ClinVar (database versions not stated): gnomAD below 0.00001 and 0.00001.

Submission:

Labcorp Genetics (formerly Invitae), Labcorp
Classification: Uncertain significance for Common variable immunodeficiency. Last evaluated: 2026-01-11. Review status: criteria provided, single submitter. Criteria: Invitae Variant Classification Sherloc (09022015). Collection method: clinical testing. Allele origin: germline.
Comment: This sequence change replaces asparagine, which is neutral and polar, with isoleucine, which is neutral and non-polar, at codon 147 of the TNFSF12 protein (p.Asn147Ile). This variant is not present in population databases (gnomAD no frequency). This variant has not been reported in the literature in individuals affected with TNFSF12-related conditions. ClinVar contains an entry for this variant (Variation ID: 946088). An algorithm developed to predict the effect of missense changes on protein structure and function (PolyPhen-2) suggests that this variant is likely to be disruptive. In summary, the available evidence is currently insufficient to determine the role of this variant in disease. Therefore, it has been classified as a Variant of Uncertain Significance.

NM_003809.3(TNFSF12):c.440A>T (p.Asn147Ile)

Genes: TNFSF12-TNFSF13 (TNFSF12-TNFSF13 readthrough; plus strand), TNFSF12 (TNF superfamily member 12; plus strand). Cytogenetic location: 17p13.1.
Variant type: single nucleotide variant.
Coding change: c.440A>T on transcript NM_003809.3 (MANE Select); coding-DNA position 440, A replaced by T.
Protein change: p.Asn147Ile; replaces asparagine 147 with isoleucine.
Molecular consequence: missense variant. On other transcripts: non-coding transcript variant (1).
Genome position (GRCh38, 1-based): chr17:7,556,844, A>T. VCF-style: chr17-7556844-A-T. GRCh37 (hg19) VCF-style: chr17-7460161-A-T.
Other names: c.440A>T, p.Asn147Ile (NM_172089.4); short protein forms N147I.
Identifiers: ClinVar variation 946088 (VCV000946088.10), dbSNP rs371762842, ClinGen allele CA287468367.